The following is an entry in ClinVar:

NM_001164508.2(NEB):c.1810A>G (p.Asn604Asp)

Gene: NEB (nebulin; minus strand). Cytogenetic location: 2q23.3.
Variant type: single nucleotide variant.
Coding change: c.1810A>G on transcript NM_001164508.2 (MANE Select); coding-DNA position 1810, A replaced by G.
Protein change: p.Asn604Asp; replaces asparagine 604 with aspartic acid.
Molecular consequence: missense variant.
Genome position (GRCh38, 1-based): chr2:151,694,409, T>C on the plus strand (A>G on the coding strand, the complement: NEB is on the minus strand). VCF-style: chr2-151694409-T-C. GRCh37 (hg19) VCF-style: chr2-152550923-T-C.
Other names: c.1810A>G, p.Asn604Asp (NM_001164507.2, NM_001271208.2, NM_004543.5); short protein forms N604D.
Identifiers: ClinVar variation 3695068 (VCV003695068.2).

ClinVar aggregate classification (germline): Uncertain significance (1 of 4 stars; one submission).

Conditions:
Nemaline myopathy 2 (NEM2). Also called: Nemaline myopathy 2, autosomal recessive. Identifiers: MedGen C1850569, MONDO:0009725, OMIM 256030.

Submission:

Labcorp Genetics (formerly Invitae), Labcorp
Classification: Uncertain significance for Nemaline myopathy 2. Last evaluated: 2024-02-08. Review status: criteria provided, single submitter. Criteria: Invitae Variant Classification Sherloc (09022015). Collection method: clinical testing. Allele origin: germline.
Comment: This sequence change replaces asparagine, which is neutral and polar, with aspartic acid, which is acidic and polar, at codon 604 of the NEB protein (p.Asn604Asp). This variant is not present in population databases (gnomAD no frequency). This variant has not been reported in the literature in individuals affected with NEB-related conditions. Experimental studies and prediction algorithms are not available or were not evaluated, and the functional significance of this variant is currently unknown. In summary, the available evidence is currently insufficient to determine the role of this variant in disease. Therefore, it has been classified as a Variant of Uncertain Significance.